The following is an entry in ClinVar:

NM_025237.3(SOST):c.372G>A (p.Trp124Ter)

Gene: SOST (sclerostin; minus strand). Cytogenetic location: 17q21.31.
Variant type: single nucleotide variant.
Coding change: c.372G>A on transcript NM_025237.3 (MANE Select); coding-DNA position 372, G replaced by A.
Protein change: p.Trp124Ter; replaces tryptophan 124 with a stop codon.
Molecular consequence: nonsense.
Genome position (GRCh38, 1-based): chr17:43,755,612, C>T on the plus strand (G>A on the coding strand, the complement: SOST is on the minus strand). VCF-style: chr17-43755612-C-T. GRCh37 (hg19) VCF-style: chr17-41832980-C-T.
Other names: short protein forms W124*.
Identifiers: ClinVar variation 4785 (VCV000004785.4), dbSNP rs104894644, ClinGen allele CA253291.
Genomic context (GRCh38, chr17:43,755,612, plus strand): 5'-CACGCGCTGCGCGCGGTAGCGGTCGGGGATGCAGCGGAAGTCGGGCCCACTAGGTCGCCA[C>T]CACTTGCCGCGGCCGATGGCGTTGGGCAGCAGGCGCGCCGGGCCGCACTGGCCGGAGCAC-3'

ClinVar aggregate classification (germline): Pathogenic. Review status: criteria provided, single submitter (1 of 4 stars). 3 submissions from 3 submitters: Pathogenic (1). 2 of the submissions do not count toward it. Last evaluated 2022-06-13.

Conditions:
Sclerosteosis 1 (SOST1). Also called: CORTICAL HYPEROSTOSIS WITH SYNDACTYLY. Identifiers: Orphanet 3152, MedGen C4551483, MONDO:0010016, OMIM 269500.

Submissions (3):

Laboratorio de Genetica e Diagnostico Molecular, Hospital Israelita Albert Einstein
Classification: Pathogenic for Sclerosteosis 1. Last evaluated: 2022-06-13. Review status: criteria provided, single submitter. Criteria: ACMG Guidelines, 2015. Collection method: clinical testing. Allele origin: germline. Affected: yes. Observed: 2 variant alleles.
Comment: ACMG classification criteria: PVS1 strong, PS4 strong, PM2 moderated, PM3 moderated

OMIM
Classification: Pathogenic for SCLEROSTEOSIS 1. Last evaluated: 2001-03-01. Review status: no assertion criteria provided. Collection method: literature only. Allele origin: germline. Not counted in ClinVar's aggregate classification.

GeneReviews
No classification provided. Condition: Sclerosteosis 1. Review status: no classification provided. Collection method: literature only. Allele origin: germline. Not counted in ClinVar's aggregate classification.
Comment: Founder variant in Brazil [Balemans et al 2001, Kim et al 2008]

Literature cited by the submitters: PubMed 11181578 (cited by OMIM and GeneReviews); PubMed 19072561 (cited by GeneReviews); NCBI Bookshelf NBK1228 (cited by GeneReviews).